The following is an entry in ClinVar:

NM_006306.4(SMC1A):c.2122C>G (p.Leu708Val)

Gene: SMC1A (structural maintenance of chromosomes 1A; minus strand). Cytogenetic location: Xp11.22.
Variant type: single nucleotide variant.
Coding change: c.2122C>G on transcript NM_006306.4 (MANE Select); coding-DNA position 2122, C replaced by G.
Protein change: p.Leu708Val; replaces leucine 708 with valine.
Molecular consequence: missense variant.
Genome position (GRCh38, 1-based): chrX:53,405,086, G>C on the plus strand (C>G on the coding strand, the complement: SMC1A is on the minus strand). VCF-style: chrX-53405086-G-C. GRCh37 (hg19) VCF-style: chrX-53432018-G-C.
Other names: c.2056C>G, p.Leu686Val (NM_001281463.1); short protein forms L686V, L708V.
Identifiers: ClinVar variation 4853981 (VCV004853981.1).

ClinVar aggregate classification (germline): Uncertain significance (1 of 4 stars; one submission).

Conditions:
Developmental and epileptic encephalopathy, 85, with or without midline brain defects. Also called: EPILEPTIC ENCEPHALOPATHY, EARLY INFANTILE, 85, WITH OR WITHOUT MIDLINE BRAIN DEFECTS. Identifiers: MedGen C5393312, MONDO:0026771, OMIM 301044.

Submission:

3billion
Classification: Uncertain significance for Developmental and epileptic encephalopathy, 85, with or without midline brain defects. Last evaluated: 2025-09-02. Review status: criteria provided, single submitter. Criteria: ACMG Guidelines, 2015. Collection method: clinical testing. Allele origin: germline. Affected: yes.
Comment: The variant is not observed in the gnomAD v4.1.0 dataset. Predicted Consequence/Location: Missense variant In silico tool predictions suggest damaging effect of the variant on gene or gene product [3Cnet: 0.98 (> 0.75, sensitivity 0.96 and precision 0.92)]. Therefore, this variant is classified as VUS according to the recommendation of ACMG/AMP guideline.